The following is an entry in ClinVar:

NM_000875.5(IGF1R):c.202G>A (p.Glu68Lys)

Gene: IGF1R (insulin like growth factor 1 receptor; plus strand). Cytogenetic location: 15q26.3.
Variant type: single nucleotide variant.
Coding change: c.202G>A on transcript NM_000875.5 (MANE Select); coding-DNA position 202, G replaced by A.
Protein change: p.Glu68Lys; replaces glutamic acid 68 with lysine.
Molecular consequence: missense variant.
Genome position (GRCh38, 1-based): chr15:98,707,669, G>A. VCF-style: chr15-98707669-G-A. GRCh37 (hg19) VCF-style: chr15-99250898-G-A.
Other names: c.202G>A, p.Glu68Lys (NM_001291858.2); short protein forms E68K.
Identifiers: ClinVar variation 3372592 (VCV003372592.3).

ClinVar aggregate classification (germline): Uncertain significance. Review status: criteria provided, multiple submitters, no conflicts (2 of 4 stars). 2 submissions from 2 submitters: Uncertain significance (2). Last evaluated 2024-04-16.

Conditions:
Growth delay due to insulin-like growth factor I resistance. Also called: Insulin-Like Growth Factor I Resistance; Somatomedin end-organ insensitivity to; Somatomedin-c resistance to; IGF-1 resistance; IGF-I RESISTANCE. Identifiers: Orphanet 73273, MedGen C1849157, MONDO:0010038, OMIM 270450.

gnomAD v4.1: 2 of 1,613,996 alleles (0.00012%); highest among the groups gnomAD compares: South Asian, 0.0011%; no homozygotes.

Submissions (2):

GeneDx
Classification: Uncertain significance. Last evaluated: 2024-04-16. Review status: criteria provided, single submitter. Criteria: GeneDx Variant Classification Process June 2021. Collection method: clinical testing. Allele origin: germline. Affected: yes.
Comment: In silico analysis supports that this missense variant has a deleterious effect on protein structure/function; Has not been previously published as pathogenic or benign to our knowledge

Juno Genomics, Hangzhou Juno Genomics, Inc
Classification: Uncertain significance for Growth delay due to insulin-like growth factor I resistance. Review status: criteria provided, single submitter. Criteria: ACMG Guidelines, 2015. Collection method: clinical testing. Allele origin: germline.
Comment: Absent from controls (or at extremely low frequency if recessive) in Genome Aggregation Database.;Missense variant in a gene that has a low rate of benign missense variation.;Multiple lines of computational evidence support a deleterious effect on the gene or gene product.